The following is an entry in ClinVar:

ClinVar aggregate classification (germline): Benign (1 of 4 stars; one submission).

Allele frequency attached by ClinVar (database versions not stated): TOPMed 0.69952; 1000 Genomes Project 30x 0.71205; 1000 Genomes Project 0.71366.
gnomAD v4.1: 104,631 of 151,998 alleles (69%); highest among the groups gnomAD compares: African/African-American, 85%; 36,862 homozygotes.

Submission:

GeneDx
Classification: Benign. Last evaluated: 2018-06-14. Review status: criteria provided, single submitter. Criteria: GeneDx Variant Classification (06012015). Collection method: clinical testing. Allele origin: germline. Affected: yes.
Comment: This variant is considered likely benign or benign based on one or more of the following criteria: it is a conservative change, it occurs at a poorly conserved position in the protein, it is predicted to be benign by multiple in silico algorithms, and/or has population frequency not consistent with disease.

NM_001278716.2(FBXL4):c.512+173T>G

Gene: FBXL4 (F-box and leucine rich repeat protein 4; minus strand). Cytogenetic location: 6q16.2.
Variant type: single nucleotide variant.
Coding change: c.512+173T>G on transcript NM_001278716.2 (MANE Select); 173 bases into the intron after coding-DNA position 512, T replaced by G.
Molecular consequence: intron variant.
Genome position (GRCh38, 1-based): chr6:98,926,304, A>C on the plus strand (T>G on the coding strand, the complement: FBXL4 is on the minus strand). VCF-style: chr6-98926304-A-C. GRCh37 (hg19) VCF-style: chr6-99374180-A-C.
Other names: c.512+173T>G (NM_012160.5).
Identifiers: ClinVar variation 680582 (VCV000680582.1), dbSNP rs1011675, ClinGen allele CA15435335.
Genomic context (GRCh38, chr6:98,926,304, plus strand): 5'-AGATACAAATATCATAAGCCATGAATATTACAGTATGAGGTATTACAGGTATAAAGCCTG[A>C]ATTAAATCTTTATATGAGTGATCTCTCTTCCCCATCAGAAAACTAAGGAAAATTTTCAAA-3'